The following is an entry in ClinVar:

ClinVar aggregate classification (germline): Uncertain significance. Review status: criteria provided, multiple submitters, no conflicts (2 of 4 stars). 2 submissions from 2 submitters: Uncertain significance (2). Last evaluated 2023-02-28.

Conditions:
Muscular dystrophy-dystroglycanopathy (congenital with brain and eye anomalies), type a, 8 (MDDGA8). Also called: WALKER-WARBURG SYNDROME OR MUSCLE-EYE-BRAIN DISEASE, GTDC2-RELATED. Identifiers: Orphanet 899, MedGen C3553813, MONDO:0013904, OMIM 614830.
Inborn genetic diseases. Identifiers: MedGen C0950123, MeSH D030342.

Allele frequency attached by ClinVar (database versions not stated): gnomAD exomes 0.00001 and 0.00006; gnomAD 0.00003; TOPMed 0.00004; ExAC 0.00008.
gnomAD v4.1: 12 of 1,614,116 alleles (0.00074%); highest among the groups gnomAD compares: East Asian, 0.018%; no homozygotes.

Submissions (2):

Ambry Genetics
Classification: Uncertain significance for Inborn genetic diseases. Last evaluated: 2023-02-28. Review status: criteria provided, single submitter. Criteria: Ambry Variant Classification Scheme 2023. Collection method: clinical testing. Allele origin: germline.

Labcorp Genetics (formerly Invitae), Labcorp
Classification: Uncertain significance for Muscular dystrophy-dystroglycanopathy (congenital with brain and eye anomalies), type a, 8. Last evaluated: 2022-02-08. Review status: criteria provided, single submitter. Criteria: Invitae Variant Classification Sherloc (09022015). Collection method: clinical testing. Allele origin: germline.
Comment: This sequence change replaces glutamic acid, which is acidic and polar, with lysine, which is basic and polar, at codon 286 of the POMGNT2 protein (p.Glu286Lys). This variant is present in population databases (rs760408813, gnomAD 0.08%). This variant has not been reported in the literature in individuals affected with POMGNT2-related conditions. ClinVar contains an entry for this variant (Variation ID: 575206). Algorithms developed to predict the effect of missense changes on protein structure and function are either unavailable or do not agree on the potential impact of this missense change (SIFT: "Deleterious"; PolyPhen-2: "Benign"; Align-GVGD: "Class C15"). In summary, the available evidence is currently insufficient to determine the role of this variant in disease. Therefore, it has been classified as a Variant of Uncertain Significance.

NM_032806.6(POMGNT2):c.856G>A (p.Glu286Lys)

Gene: POMGNT2 (protein O-linked mannose N-acetylglucosaminyltransferase 2 (beta 1,4-); minus strand). Cytogenetic location: 3p22.1.
Variant type: single nucleotide variant.
Coding change: c.856G>A on transcript NM_032806.6 (MANE Select); coding-DNA position 856, G replaced by A.
Protein change: p.Glu286Lys; replaces glutamic acid 286 with lysine.
Molecular consequence: missense variant.
Genome position (GRCh38, 1-based): chr3:43,080,576, C>T on the plus strand (G>A on the coding strand, the complement: POMGNT2 is on the minus strand). VCF-style: chr3-43080576-C-T. GRCh37 (hg19) VCF-style: chr3-43122068-C-T.
Other names: c.856G>A (NM_032806.4); short protein forms E286K.
Identifiers: ClinVar variation 575206 (VCV000575206.6), dbSNP rs760408813, ClinGen allele CA2339977.
Genomic context (GRCh38, chr3:43,080,576, plus strand): 5'-GCTCTGCCTCATTCAGAATGAGTCTGTTCTGGGTTCGGCTAAAGACCAGAATGTACTCCT[C>T]GCCTAGGGGGACTCCTGTGTGGCTCACGTTCAGCTTTTCTGTCATGAACCGTGCAAACTG-3'
Protein context (NP_116195.2, residues 276-296): NVSHTGVPLG[Glu286Lys]EYILVFSRTQ